The following is an entry in ClinVar:

NM_000426.4(LAMA2):c.6272_6274+3del

Gene: LAMA2 (laminin subunit alpha 2; plus strand). Cytogenetic location: 6q22.33.
Variant type: Deletion.
Coding change: c.6272_6274+3del on transcript NM_000426.4 (MANE Select); coding-DNA position 6272 through 3 bases into the intron after coding-DNA position 6274, 6 bases deleted (TCAGTA; older notation c.6272_6274+3delTCAGTA).
Molecular consequence: splice donor variant.
Genome position (GRCh38, 1-based): chr6:129,443,066-129,443,071, TCAGTA deleted; deleting any 6 consecutive bases within chr6:129,443,065-129,443,071 gives the same sequence; the c. name uses the placement nearest the transcript's 3' end. VCF-style (leftmost placement, unchanged base first): chr6-129443064-AATCAGT-A. GRCh37 (hg19) VCF-style: chr6-129764209-AATCAGT-A.
Other names: c.6272_6274+3del (NM_001079823.2).
Identifiers: ClinVar variation 2035665 (VCV002035665.4), dbSNP rs2533392062, ClinGen allele CA2580074951.

ClinVar aggregate classification (germline): Likely pathogenic (1 of 4 stars; one submission).

Conditions:
LAMA2-related muscular dystrophy (LAMA2-RD). Also called: Laminin alpha 2-related dystrophy. Identifiers: MedGen C5679788, MONDO:0100228.

Submission:

Labcorp Genetics (formerly Invitae), Labcorp
Classification: Likely pathogenic for LAMA2-related muscular dystrophy. Last evaluated: 2022-10-15. Review status: criteria provided, single submitter. Criteria: Invitae Variant Classification Sherloc (09022015). Collection method: clinical testing. Allele origin: germline.
Comment: Algorithms developed to predict the effect of sequence changes on RNA splicing suggest that this variant may disrupt the consensus splice site. This variant has not been reported in the literature in individuals affected with LAMA2-related conditions. This variant is not present in population databases (gnomAD no frequency). This variant results in the deletion of part of exon 44 (c.6272_6274+3del) of the LAMA2 gene. It is expected to disrupt RNA splicing. Variants that disrupt the donor or acceptor splice site typically lead to a loss of protein function (PMID: 16199547), and loss-of-function variants in LAMA2 are known to be pathogenic (PMID: 18700894, 32904964). In summary, the currently available evidence indicates that the variant is pathogenic, but additional data are needed to prove that conclusively. Therefore, this variant has been classified as Likely Pathogenic.

Literature cited by the submitters: PubMed 16199547; PubMed 18700894; PubMed 32904964.